The following is an entry in ClinVar:

NM_001267550.2(TTN):c.70536G>A (p.Glu23512=)

Genes: TTN (titin; minus strand), TTN-AS1 (TTN antisense RNA 1; plus strand), LOC126806422 (BRD4-independent group 4 enhancer GRCh37_chr2:179440205-179441404; plus strand). Cytogenetic location: 2q31.2.
Variant type: single nucleotide variant.
Coding change: c.70536G>A on transcript NM_001267550.2 (MANE Select); coding-DNA position 70536, G replaced by A.
Protein change: p.Glu23512=; no amino-acid change (glutamic acid 23512 retained).
Molecular consequence: synonymous variant.
Genome position (GRCh38, 1-based): chr2:178,575,596, C>T on the plus strand (G>A on the coding strand, the complement: TTN is on the minus strand). VCF-style: chr2-178575596-C-T. GRCh37 (hg19) VCF-style: chr2-179440323-C-T.
Other names: c.65613G>A, p.Glu21871= (NM_001256850.1); c.43341G>A, p.Glu14447= (NM_003319.4); c.62832G>A, p.Glu20944= (NM_133378.4); c.43716G>A, p.Glu14572= (NM_133432.3); c.43917G>A, p.Glu14639= (NM_133437.4).
Identifiers: ClinVar variation 389250 (VCV000389250.1), dbSNP rs1057523375, ClinGen allele CA16603995.

ClinVar aggregate classification (germline): Likely benign (1 of 4 stars; one submission).

gnomAD v4.1: 1 of 1,613,650 alleles (0.000062%); highest among the groups gnomAD compares: Non-Finnish European, 0.000085%; no homozygotes.

Submission:

GeneDx
Classification: Likely benign. Last evaluated: 2016-09-08. Review status: criteria provided, single submitter. Criteria: GeneDx Variant Classification (06012015). Collection method: clinical testing. Allele origin: germline. Affected: yes.
Comment: This variant is considered likely benign or benign based on one or more of the following criteria: it is a conservative change, it occurs at a poorly conserved position in the protein, it is predicted to be benign by multiple in silico algorithms, and/or has population frequency not consistent with disease.